The following is an entry in ClinVar:

ClinVar aggregate classification (germline): Uncertain significance (1 of 4 stars; one submission).

Conditions:
Leber congenital amaurosis 2 (LCA2). Also called: AMAUROSIS CONGENITA OF LEBER II; Autosomal Recessive RPE65-Related Retinal Degeneration. Identifiers: Orphanet 65, MedGen C1859844, MONDO:0008765, OMIM 204100. Disease mechanism: loss of function.
Retinitis pigmentosa 20 (RP20). Identifiers: Orphanet 791, MedGen C3151086, MONDO:0013425, OMIM 613794.

gnomAD v4.1: 1 of 1,614,046 alleles (0.000062%); highest among the groups gnomAD compares: Non-Finnish European, 0.000085%; no homozygotes.

Submission:

Labcorp Genetics (formerly Invitae), Labcorp
Classification: Uncertain significance for Leber congenital amaurosis 2; Retinitis pigmentosa 20. Last evaluated: 2025-12-16. Review status: criteria provided, single submitter. Criteria: Invitae Variant Classification Sherloc (09022015). Collection method: clinical testing. Allele origin: germline.
Comment: This sequence change replaces valine, which is neutral and non-polar, with isoleucine, which is neutral and non-polar, at codon 136 of the RPE65 protein (p.Val136Ile). This variant is not present in population databases (gnomAD no frequency). This variant has not been reported in the literature in individuals affected with RPE65-related conditions. Invitae Evidence Modeling of protein sequence and biophysical properties (such as structural, functional, and spatial information, amino acid conservation, physicochemical variation, residue mobility, and thermodynamic stability) indicates that this missense variant is not expected to disrupt RPE65 protein function with a negative predictive value of 80%. In summary, the available evidence is currently insufficient to determine the role of this variant in disease. Therefore, it has been classified as a Variant of Uncertain Significance.

NM_000329.3(RPE65):c.406G>A (p.Val136Ile)

Gene: RPE65 (retinoid isomerohydrolase RPE65; minus strand). Cytogenetic location: 1p31.3.
Variant type: single nucleotide variant.
Coding change: c.406G>A on transcript NM_000329.3 (MANE Select); coding-DNA position 406, G replaced by A.
Protein change: p.Val136Ile; replaces valine 136 with isoleucine.
Molecular consequence: missense variant.
Genome position (GRCh38, 1-based): chr1:68,444,620, C>T on the plus strand (G>A on the coding strand, the complement: RPE65 is on the minus strand). VCF-style: chr1-68444620-C-T. GRCh37 (hg19) VCF-style: chr1-68910303-C-T.
Other names: c.298G>A, p.Val100Ile (NM_001406853.1); c.130G>A, p.Val44Ile (NM_001406856.1, NM_001406857.1); c.406G>A, p.Val136Ile (NM_001406859.1, NM_001406860.1); short protein forms V44I, V100I, V136I.
Identifiers: ClinVar variation 4783075 (VCV004783075.1).